The following is an entry in ClinVar:

NM_000276.4(OCRL):c.1567G>A (p.Asp523Asn)

Gene: OCRL (OCRL inositol polyphosphate-5-phosphatase; plus strand). Cytogenetic location: Xq26.1.
Variant type: single nucleotide variant.
Coding change: c.1567G>A on transcript NM_000276.4 (MANE Select); coding-DNA position 1567, G replaced by A.
Protein change: p.Asp523Asn; replaces aspartic acid 523 with asparagine.
Molecular consequence: missense variant.
Genome position (GRCh38, 1-based): chrX:129,569,364, G>A. VCF-style: chrX-129569364-G-A. GRCh37 (hg19) VCF-style: chrX-128703341-G-A.
Other names: c.1570G>A, p.Asp524Asn (NM_001318784.2); c.1567G>A, p.Asp523Asn (NM_001587.4); short protein forms D523N, D524N.
Identifiers: ClinVar variation 1344666 (VCV001344666.3), dbSNP rs2124412861, ClinGen allele CA414616516.

ClinVar aggregate classification (germline): Pathogenic. Review status: criteria provided, multiple submitters, no conflicts (2 of 4 stars). 3 submissions from 3 submitters: Pathogenic (2). 1 of the submissions does not count toward it. Last evaluated 2025-12-29.

Conditions:
Lowe syndrome (OCRL). Also called: LOWE OCULOCEREBRORENAL SYNDROME; PHOSPHATIDYLINOSITOL 4,5-BISPHOSPHATE 5-PHOSPHATASE DEFICIENCY; Oculocerebrorenal Syndrome. Identifiers: Orphanet 534, MedGen C0028860, MONDO:0010645, OMIM 309000.

Submissions (3):

Dasa
Classification: Pathogenic. Last evaluated: 2025-12-29. Review status: criteria provided, single submitter. Criteria: DASA Assertion Criteria. Collection method: clinical testing. Allele origin: germline.
Comment: NM_000276.4(OCRL):c.1567G>A (p.Asp523Asn) is a missense variant that results in the substitution of aspartic acid with asparagine. This variant has been recurrently observed in individuals with related phenotype (PMID: 30773290; PMID: 25480730; PMID: 35183220; PMID: 35919034; PMID: 25271213). Multiple computational predictions support a deleterious effect on the gene or gene product. The variant is present at low frequency in population datasets. Based on the available data, this variant is classified as pathogenic.

GeneDx
Classification: Pathogenic. Last evaluated: 2024-12-03. Review status: criteria provided, single submitter. Criteria: GeneDx Variant Classification Process June 2021. Collection method: clinical testing. Allele origin: germline. Affected: yes.
Comment: Published functional studies demonstrate a decrease of PI(4,5)P2 5-phosphatase activity, an increase in TRPV6-mediated Ca2+ uptake, thus suppressing the intestinal epithelial Ca(2+) channel (TRPV6) via two separate mechanisms (PMID: 22378746); In silico analysis supports that this missense variant has a deleterious effect on protein structure/function; Not observed at significant frequency in large population cohorts (gnomAD); This variant is associated with the following publications: (PMID: 30773290, 25480730, 25271213, 19582483, 34680992, 31672324, 35183220, 35919034, 22378746)

Yale Center for Mendelian Genomics, Yale University
Classification: Pathogenic for Lowe syndrome. Last evaluated: 2019-02-14. Review status: no assertion criteria provided. Collection method: literature only. Allele origin: germline. Affected: yes. Observed: 1 hemizygote. Study: Yale Center for Mendelian Genomics. Not counted in ClinVar's aggregate classification.

Literature cited by the submitters: PubMed 30773290 (cited by Dasa and Yale Center for Mendelian Genomics, Yale University); PubMed 25480730 (cited by Dasa); PubMed 35183220 (cited by Dasa); PubMed 35919034 (cited by Dasa); PubMed 25271213 (cited by Dasa); PubMed 34680992 (cited by Dasa).